The following is an entry in ClinVar:

NM_004937.3(CTNS):c.681+1G>A

Genes: CTNS (cystinosin, lysosomal cystine transporter; plus strand), CTNS-AS1 (CTNS antisense RNA 1; minus strand). Cytogenetic location: 17p13.2.
Variant type: single nucleotide variant.
Coding change: c.681+1G>A on transcript NM_004937.3 (MANE Select); the canonical splice donor site of the intron after coding-DNA position 681, G replaced by A.
Molecular consequence: splice donor variant.
Genome position (GRCh38, 1-based): chr17:3,656,796, G>A. VCF-style: chr17-3656796-G-A. GRCh37 (hg19) VCF-style: chr17-3560090-G-A.
Other names: c.681+1G>A (NM_001031681.3, NM_001374492.1); c.240+1G>A (NM_001374493.1, NM_001374495.1, NM_001374494.1 and 1 more transcripts).
Identifiers: ClinVar variation 966528 (VCV000966528.21), dbSNP rs749317721, ClinGen allele CA8291818.

ClinVar aggregate classification (germline): Pathogenic. Review status: criteria provided, multiple submitters, no conflicts (2 of 4 stars). 7 submissions from 7 submitters: Pathogenic (7). Last evaluated 2025-06-02.

Conditions:
Nephropathic cystinosis (CTNS). Also called: Abderhalden Lignac Kaufmann disease; Abderhalden-Kaufmann-Lignac syndrome; CYSTINOSIN, DEFECT OF; LYSOSOMAL CYSTINE TRANSPORT PROTEIN, DEFECT OF. Identifiers: Orphanet 213, Orphanet 411629, MedGen C2931187, MONDO:0100151, OMIM 219800.
Ocular cystinosis. Also called: Non-Nephropathic (Ocular) Cystinosis; Non-Nephropathic Cystinosis. Identifiers: Orphanet 213, Orphanet 411641, MedGen C2931013, MONDO:0009064, OMIM 219750.
Juvenile nephropathic cystinosis. Also called: Later-Onset (Juvenile) Cystinosis; CYSTINOSIS, LATE-ONSET JUVENILE OR ADOLESCENT NEPHROPATHIC TYPE; Intermediate Cystinosis. Identifiers: Orphanet 213, Orphanet 411634, MedGen C0268626, MONDO:0009066, OMIM 219900.
Cystinosis. Also called: Cystine diathesis; Cystine storage disease; Cystinoses. Identifiers: Orphanet 213, MedGen C4316899, MONDO:0016239.
Inborn genetic diseases. Identifiers: MedGen C0950123, MeSH D030342.

Allele frequency attached by ClinVar (database versions not stated): gnomAD exomes 0.00001; ExAC 0.00002.
gnomAD v4.1: 10 of 1,612,926 alleles (0.00062%); highest among the groups gnomAD compares: South Asian, 0.0011%; no homozygotes.

Submissions (8):

Natera, Inc.
Classification: Pathogenic for Cystinosis. Last evaluated: 2025-06-02. Review status: criteria provided, single submitter. Criteria: Natera Variant Classification Schema (03/2026). Collection method: clinical testing. Allele origin: germline.
Comment: The c.681+1G>A variant in CTNS is a canonical splice donor site variant predicted to affect pre-mRNA splicing, which may result in an abnormal transcript and altered protein product. This variant is expected to result in nonsense mediated decay, truncation, or a dysfunctional protein product. This variant is rare in the general population with a frequency below the threshold expected for the associated phenotype(s). This variant has been observed in one or more individuals affected with the associated recessive disease, as either homozygous or compound heterozygous with a second variant (PMID: 12825071). Given the available evidence, this variant is classified as Pathogenic.

Labcorp Genetics (formerly Invitae), Labcorp
Classification: Pathogenic for Inborn genetic diseases; Ocular cystinosis; Juvenile nephropathic cystinosis. Last evaluated: 2025-05-17. Review status: criteria provided, single submitter. Criteria: Invitae Variant Classification Sherloc (09022015). Collection method: clinical testing. Allele origin: germline.
Comment: This sequence change affects a donor splice site in intron 9 of the CTNS gene. It is expected to disrupt RNA splicing. Variants that disrupt the donor or acceptor splice site typically lead to a loss of protein function (PMID: 16199547), and loss-of-function variants in CTNS are known to be pathogenic (PMID: 9537412, 27102039). This variant is present in population databases (rs749317721, gnomAD 0.002%). Disruption of this splice site has been observed in individuals with cystinosis (PMID: 10556299, 12825071). This variant is also known as c.1020+1G>A. ClinVar contains an entry for this variant (Variation ID: 966528). Algorithms developed to predict the effect of sequence changes on RNA splicing suggest that this variant may disrupt the consensus splice site. For these reasons, this variant has been classified as Pathogenic.

Dubai Health Genomic Medicine Center, Dubai Health
Classification: Pathogenic for Cystinosis. Last evaluated: 2024-10-04. Review status: criteria provided, single submitter. Criteria: ACMG Guidelines, 2015. Collection method: research. Allele origin: germline. Affected: yes.
Comment: PVS1,PM3(strong),PM2

Baylor Genetics
Classification: Pathogenic for Nephropathic cystinosis. Last evaluated: 2024-03-06. Review status: criteria provided, single submitter. Criteria: ACMG Guidelines, 2015. Collection method: clinical testing. Allele origin: unknown.

Fulgent Genetics
Classification: Pathogenic for Ocular cystinosis; Nephropathic cystinosis; Juvenile nephropathic cystinosis. Last evaluated: 2022-03-18. Review status: criteria provided, single submitter. Criteria: ACMG Guidelines, 2015. Collection method: clinical testing. Allele origin: unknown.

Women's Health and Genetics/Laboratory Corporation of America, LabCorp
Classification: Pathogenic for Cystinosis. Last evaluated: 2022-01-02. Review status: criteria provided, single submitter. Criteria: LabCorp Variant Classification Summary - May 2015. Collection method: clinical testing. Allele origin: germline.
Comment: Variant summary: CTNS c.681+1G>A is located in a canonical splice-site and is predicted to affect mRNA splicing resulting in a significantly altered protein due to either exon skipping, shortening, or inclusion of intronic material. Several computational tools predict a significant impact on normal splicing: Four predict the variant abolishes the canonical 5' splicing donor site. However, these predictions have yet to be confirmed by functional studies. The variant allele was found at a frequency of 8e-06 in 250784 control chromosomes. c.681+1G>A has been reported in the literature in multiple individuals affected with Cystinosis (example, Attard_1999, Mason_2003). These data indicate that the variant is very likely to be associated with disease. To our knowledge, no experimental evidence demonstrating an impact on protein function has been reported. One clinical diagnostic laboratory has submitted clinical-significance assessments for this variant to ClinVar after 2014 and classified the variant as pathogenic. Based on the evidence outlined above, the variant was classified as pathogenic.

Juno Genomics, Hangzhou Juno Genomics, Inc
Classification: Pathogenic for Nephropathic cystinosis; Juvenile nephropathic cystinosis; Ocular cystinosis. Review status: criteria provided, single submitter. Criteria: ACMG Guidelines, 2015. Collection method: clinical testing. Allele origin: germline.
Comment: Absent from controls (or at extremely low frequency if recessive) in Genome Aggregation Database.;Null variant in a gene where loss of function (LOF) is a known mechanism of disease.;For recessive disorders, detected in trans with a pathogenic variant.

Dr. Peter K. Rogan Lab, Western University
No classification provided (evidence only). Condition: Gastric cancer. Review status: no classification provided. Collection method: in vitro. Allele origin: not applicable. Functional consequence: retained intron. Not counted in ClinVar's aggregate classification.

Literature cited by the submitters: PubMed 12825071 (cited by 3 submitters); PubMed 16199547 (cited by Labcorp Genetics (formerly Invitae), Labcorp); PubMed 9537412 (cited by Labcorp Genetics (formerly Invitae), Labcorp); PubMed 27102039 (cited by Labcorp Genetics (formerly Invitae), Labcorp); PubMed 10556299 (cited by Labcorp Genetics (formerly Invitae), Labcorp and Women's Health and Genetics/Laboratory Corporation of America, LabCorp).